The following is an entry in ClinVar:

NM_001371986.1(UNC80):c.425G>A (p.Gly142Asp)

Gene: UNC80 (unc-80 homolog, NALCN channel complex subunit; plus strand). Cytogenetic location: 2q34.
Variant type: single nucleotide variant.
Coding change: c.425G>A on transcript NM_001371986.1 (MANE Select); coding-DNA position 425, G replaced by A.
Protein change: p.Gly142Asp; replaces glycine 142 with aspartic acid.
Molecular consequence: missense variant.
Genome position (GRCh38, 1-based): chr2:209,777,384, G>A. VCF-style: chr2-209777384-G-A. GRCh37 (hg19) VCF-style: chr2-210642108-G-A.
Other names: c.425G>A, p.Gly142Asp (NM_032504.2, NM_182587.4); short protein forms G142D.
Identifiers: ClinVar variation 2051016 (VCV002051016.1), dbSNP rs757824615, ClinGen allele CA2082742.
Genomic context (GRCh38, chr2:209,777,384, plus strand): 5'-AGGCCCCCCAGGACTGCAACAATGAGCGGTTTGGGGGTACAGACCGAGGCTCCAGCTGGG[G>A]TGGAAGCAGCAGTGCTTTCATCCACCAGGTTGAAAACCAGGGTTCTCCAGGGCAGCCTTG-3'
Protein context (NP_001358915.1, residues 132-152): FGGTDRGSSW[Gly142Asp]GSSSAFIHQV

ClinVar aggregate classification (germline): Uncertain significance (1 of 4 stars; one submission).

Allele frequency attached by ClinVar (database versions not stated): ExAC 0.00001; gnomAD exomes 0.00001; TOPMed 0.00001.
gnomAD v4.1: 18 of 1,614,190 alleles (0.0011%); highest among the groups gnomAD compares: East Asian, 0.025%; no homozygotes.

Submission:

Labcorp Genetics (formerly Invitae), Labcorp
Classification: Uncertain significance. Last evaluated: 2022-07-02. Review status: criteria provided, single submitter. Criteria: Invitae Variant Classification Sherloc (09022015). Collection method: clinical testing. Allele origin: germline.
Comment: This sequence change replaces glycine, which is neutral and non-polar, with aspartic acid, which is acidic and polar, at codon 142 of the UNC80 protein (p.Gly142Asp). This variant is present in population databases (rs757824615, gnomAD 0.01%). This variant has not been reported in the literature in individuals affected with UNC80-related conditions. Algorithms developed to predict the effect of missense changes on protein structure and function are either unavailable or do not agree on the potential impact of this missense change (SIFT: "Not Available"; PolyPhen-2: "Benign"; Align-GVGD: "Not Available"). In summary, the available evidence is currently insufficient to determine the role of this variant in disease. Therefore, it has been classified as a Variant of Uncertain Significance.